The following is an entry in ClinVar:

ClinVar aggregate classification (germline): Uncertain significance (1 of 4 stars; one submission).

Conditions:
Hyperphosphatasia with impaired intellectual development syndrome 2. Also called: Hyperphosphatasia with intellectual disability syndrome 2; GLYCOSYLPHOSPHATIDYLINOSITOL BIOSYNTHESIS DEFECT 6. Identifiers: Orphanet 247262, MedGen C3553637, MONDO:0013882, OMIM 614749.

Allele frequency attached by ClinVar (database versions not stated): TOPMed 0.00005; ExAC 0.00001; gnomAD 0.00001; gnomAD exomes 0.00001; 1000 Genomes Project 30x 0.00016; 1000 Genomes Project 0.00020.
gnomAD v4.1: 14 of 1,614,194 alleles (0.00087%); highest among the groups gnomAD compares: African/African-American, 0.0027%; no homozygotes.

Submission:

Labcorp Genetics (formerly Invitae), Labcorp
Classification: Uncertain significance for Hyperphosphatasia with impaired intellectual development syndrome 2. Last evaluated: 2022-09-06. Review status: criteria provided, single submitter. Criteria: Invitae Variant Classification Sherloc (09022015). Collection method: clinical testing. Allele origin: germline.
Comment: This sequence change replaces alanine, which is neutral and non-polar, with valine, which is neutral and non-polar, at codon 456 of the PIGO protein (p.Ala456Val). This variant is present in population databases (rs202109643, gnomAD 0.0009%). This variant has not been reported in the literature in individuals affected with PIGO-related conditions. ClinVar contains an entry for this variant (Variation ID: 961716). Algorithms developed to predict the effect of missense changes on protein structure and function output the following: SIFT: "Tolerated"; PolyPhen-2: "Benign"; Align-GVGD: "Class C0". The valine amino acid residue is found in multiple mammalian species, which suggests that this missense change does not adversely affect protein function. In summary, the available evidence is currently insufficient to determine the role of this variant in disease. Therefore, it has been classified as a Variant of Uncertain Significance.

NM_032634.4(PIGO):c.1367C>T (p.Ala456Val)

Gene: PIGO (phosphatidylinositol glycan anchor biosynthesis class O; minus strand). Cytogenetic location: 9p13.3.
Variant type: single nucleotide variant.
Coding change: c.1367C>T on transcript NM_032634.4 (MANE Select); coding-DNA position 1367, C replaced by T.
Protein change: p.Ala456Val; replaces alanine 456 with valine.
Molecular consequence: missense variant. On other transcripts: intron variant (2).
Genome position (GRCh38, 1-based): chr9:35,092,520, G>A on the plus strand (C>T on the coding strand, the complement: PIGO is on the minus strand). VCF-style: chr9-35092520-G-A. GRCh37 (hg19) VCF-style: chr9-35092517-G-A.
Other names: c.1344+23C>T (NM_152850.4, NM_001201484.2); short protein forms A456V.
Identifiers: ClinVar variation 961716 (VCV000961716.7), dbSNP rs202109643, ClinGen allele CA5040646.